The following is an entry in ClinVar:

NM_015662.3(IFT172):c.1115dup (p.His372fs)

Gene: IFT172 (intraflagellar transport 172; minus strand). Cytogenetic location: 2p23.3.
Variant type: Duplication.
Coding change: c.1115dup on transcript NM_015662.3 (MANE Select); coding-DNA position 1115, one base duplicated (A; older notation c.1115dupA).
Protein change: p.His372fs; shifts the reading frame from histidine 372.
Molecular consequence: frameshift variant.
Genome position (GRCh38, 1-based): chr2:27,478,047, T duplicated on the plus strand (A on the coding strand, the reverse complement: IFT172 is on the minus strand). VCF-style (leftmost placement, unchanged base first): chr2-27478046-G-GT. GRCh37 (hg19) VCF-style: chr2-27700913-G-GT.
Other names: short protein forms H372fs.
Identifiers: ClinVar variation 1451190 (VCV001451190.6), dbSNP rs2148544061, ClinGen allele CA2573134440.

ClinVar aggregate classification (germline): Pathogenic (1 of 4 stars; one submission).

Conditions:
Retinitis pigmentosa 71 (RP71). Identifiers: Orphanet 791, MedGen C4225342, MONDO:0014618, OMIM 616394.
Short-rib thoracic dysplasia 10 with or without polydactyly (SRTD10). Identifiers: Orphanet 474, MedGen C3810175, MONDO:0014284, OMIM 615630.

Submission:

Labcorp Genetics (formerly Invitae), Labcorp
Classification: Pathogenic for Retinitis pigmentosa 71; Short-rib thoracic dysplasia 10 with or without polydactyly. Last evaluated: 2021-11-14. Review status: criteria provided, single submitter. Criteria: Invitae Variant Classification Sherloc (09022015). Collection method: clinical testing. Allele origin: germline.
Comment: For these reasons, this variant has been classified as Pathogenic. This variant has not been reported in the literature in individuals affected with IFT172-related conditions. This variant is not present in population databases (gnomAD no frequency). This sequence change creates a premature translational stop signal (p.His372Glnfs*14) in the IFT172 gene. It is expected to result in an absent or disrupted protein product. Loss-of-function variants in IFT172 are known to be pathogenic (PMID: 24140113).

Literature cited by the submitters: PubMed 24140113.